The following is an entry in ClinVar:

NM_005609.4(PYGM):c.521del (p.Gly174fs)

Gene: PYGM (glycogen phosphorylase, muscle associated; minus strand). Cytogenetic location: 11q13.1.
Variant type: Deletion.
Coding change: c.521del on transcript NM_005609.4 (MANE Select); coding-DNA position 521, one base deleted (G; older notation c.521delG).
Protein change: p.Gly174fs; shifts the reading frame from glycine 174.
Molecular consequence: frameshift variant.
Genome position (GRCh38, 1-based): chr11:64,758,253, C deleted on the plus strand (G on the coding strand, the reverse complement: PYGM is on the minus strand); the first of 5 consecutive C bases (chr11:64,758,253-64,758,257); deleting any one gives the same sequence. VCF-style (leftmost placement, unchanged base first): chr11-64758252-GC-G. GRCh37 (hg19) VCF-style: chr11-64525724-GC-G.
Other names: c.257del, p.Gly86fs (NM_001164716.1); short protein forms G174fs, G86fs.
Identifiers: ClinVar variation 1076857 (VCV001076857.8), dbSNP rs2058407169, ClinGen allele CA2499221132.

ClinVar aggregate classification (germline): Pathogenic. Review status: criteria provided, multiple submitters, no conflicts (2 of 4 stars). 2 submissions from 2 submitters: Pathogenic (2). Last evaluated 2024-05-14.

Conditions:
Glycogen storage disease, type V (GSD5). Also called: MCARDLE DISEASE; MUSCLE GLYCOGEN PHOSPHORYLASE DEFICIENCY; MYOPHOSPHORYLASE DEFICIENCY; PYGM DEFICIENCY; McArdle type glycogen storage disease. Identifiers: Orphanet 368, MedGen C0017924, MONDO:0009293, OMIM 232600.

Submissions (2):

Myriad Genetics, Inc.
Classification: Pathogenic for Glycogen storage disease, type V. Last evaluated: 2024-05-14. Review status: criteria provided, single submitter. Criteria: Myriad Autosomal Dominant, Autosomal Recessive and X-Linked Classification Criteria (2023). Collection method: clinical testing. Allele origin: unknown.
Comment: NM_005609.2(PYGM):c.521delG(G174Afs*121) is expected to be pathogenic in the context of glycogen storage disease, PYGM-related. This variant is predicted to lead to an abnormal or absent protein product due to the creation of a premature termination codon in PYGM, a gene where loss-of-function variants are known to be pathogenic. Please note: this variant was assessed in the context of healthy population screening.

Labcorp Genetics (formerly Invitae), Labcorp
Classification: Pathogenic for Glycogen storage disease, type V. Last evaluated: 2023-05-08. Review status: criteria provided, single submitter. Criteria: Invitae Variant Classification Sherloc (09022015). Collection method: clinical testing. Allele origin: germline.
Comment: This variant has not been reported in the literature in individuals affected with PYGM-related conditions. For these reasons, this variant has been classified as Pathogenic. ClinVar contains an entry for this variant (Variation ID: 1076857). This variant is not present in population databases (gnomAD no frequency). This sequence change creates a premature translational stop signal (p.Gly174Alafs*121) in the PYGM gene. It is expected to result in an absent or disrupted protein product. Loss-of-function variants in PYGM are known to be pathogenic (PMID: 8316268, 16786513).

Literature cited by the submitters: PubMed 8316268 (cited by Labcorp Genetics (formerly Invitae), Labcorp); PubMed 16786513 (cited by Labcorp Genetics (formerly Invitae), Labcorp).